The following is an entry in ClinVar:

NM_013432.5(TONSL):c.3470C>T (p.Pro1157Leu)

Gene: TONSL (tonsoku like, DNA repair protein; minus strand). Cytogenetic location: 8q24.3.
Variant type: single nucleotide variant.
Coding change: c.3470C>T on transcript NM_013432.5 (MANE Select); coding-DNA position 3470, C replaced by T.
Protein change: p.Pro1157Leu; replaces proline 1157 with leucine.
Molecular consequence: missense variant.
Genome position (GRCh38, 1-based): chr8:144,433,677, G>A on the plus strand (C>T on the coding strand, the complement: TONSL is on the minus strand). VCF-style: chr8-144433677-G-A. GRCh37 (hg19) VCF-style: chr8-145659060-G-A.
Other names: short protein forms P1157L.
Identifiers: ClinVar variation 2764426 (VCV002764426.3), dbSNP rs2537479971, ClinGen allele CA372644479.

ClinVar aggregate classification (germline): Uncertain significance (1 of 4 stars; one submission).

gnomAD v4.1: 1 of 1,612,962 alleles (0.000062%); highest among the groups gnomAD compares: Non-Finnish European, 0.000085%; no homozygotes.

Submission:

Labcorp Genetics (formerly Invitae), Labcorp
Classification: Uncertain significance. Last evaluated: 2023-09-29. Review status: criteria provided, single submitter. Criteria: Invitae Variant Classification Sherloc (09022015). Collection method: clinical testing. Allele origin: germline.
Comment: In summary, the available evidence is currently insufficient to determine the role of this variant in disease. Therefore, it has been classified as a Variant of Uncertain Significance. Advanced modeling of protein sequence and biophysical properties (such as structural, functional, and spatial information, amino acid conservation, physicochemical variation, residue mobility, and thermodynamic stability) performed at Invitae indicates that this missense variant is expected to disrupt TONSL protein function. This variant has not been reported in the literature in individuals affected with TONSL-related conditions. This variant is not present in population databases (gnomAD no frequency). This sequence change replaces proline, which is neutral and non-polar, with leucine, which is neutral and non-polar, at codon 1157 of the TONSL protein (p.Pro1157Leu).